The following is an entry in ClinVar:

NM_006767.4(LZTR1):c.570del (p.Phe190fs)

Gene: LZTR1 (leucine zipper like post translational regulator 1; plus strand). Cytogenetic location: 22q11.21.
Variant type: Deletion.
Coding change: c.570del on transcript NM_006767.4 (MANE Select); coding-DNA position 570, one base deleted (T; older notation c.570delT).
Protein change: p.Phe190fs; shifts the reading frame from phenylalanine 190.
Molecular consequence: frameshift variant.
Genome position (GRCh38, 1-based): chr22:20,988,849, T deleted; the last of 3 consecutive T bases (chr22:20,988,847-20,988,849); deleting any one gives the same sequence. VCF-style (leftmost placement, unchanged base first): chr22-20988846-CT-C. GRCh37 (hg19) VCF-style: chr22-21343135-CT-C.
Other names: c.570delT (NM_006767.3); c.570del (NM_006767.3); short protein forms F190fs.
Identifiers: ClinVar variation 1749215 (VCV001749215.6), dbSNP rs760932744, ClinGen allele CA10118490.
Genomic context (GRCh38, chr22:20,988,846, plus strand): 5'-CAGGTTGCCAGTCGCTAGGTCAGCCCATGGGGCCACGGTGTACAGTGACAAGCTGTGGAT[CT>C]TTGCTGGCTATGACGGCAACGCCAGGTGGGTGGTGGTCCGGCCTGTGCACCCCACCTCCG-3'

ClinVar aggregate classification (germline): Pathogenic. Review status: criteria provided, multiple submitters, no conflicts (2 of 4 stars). 3 submissions from 3 submitters: Pathogenic (3). Last evaluated 2025-11-22.

Conditions:
Cardiovascular phenotype. Identifiers: MedGen CN230736.
Hereditary cancer-predisposing syndrome. Also called: Hereditary Cancer Syndrome; Hereditary neoplastic syndrome; Neoplastic Syndromes, Hereditary; Tumor predisposition. Identifiers: Orphanet 140162, MedGen C0027672, MeSH D009386, MONDO:0015356.

Submissions (3):

Labcorp Genetics (formerly Invitae), Labcorp
Classification: Pathogenic. Last evaluated: 2025-11-22. Review status: criteria provided, single submitter. Criteria: Invitae Variant Classification Sherloc (09022015). Collection method: clinical testing. Allele origin: germline.
Comment: This sequence change creates a premature translational stop signal (p.Phe190Leufs*10) in the LZTR1 gene. It is expected to result in an absent or disrupted protein product. Loss-of-function variants in LZTR1 are known to be pathogenic (PMID: 24362817, 25335493, 25480913, 25795793, 29469822, 30368668, 30442762, 30442766, 30481304, 30859559). This variant is present in population databases (rs760932744, gnomAD 0.002%). This premature translational stop signal has been observed in individual(s) with schwannomatosis (PMID: 25480913). ClinVar contains an entry for this variant (Variation ID: 1749215). For these reasons, this variant has been classified as Pathogenic.

GeneDx
Classification: Pathogenic. Last evaluated: 2023-01-12. Review status: criteria provided, single submitter. Criteria: GeneDx Variant Classification Process June 2021. Collection method: clinical testing. Allele origin: germline. Affected: yes.
Comment: Frameshift variant predicted to result in protein truncation or nonsense mediated decay in a gene for which loss of function is a known mechanism of disease; Not observed at significant frequency in large population cohorts (gnomAD); This variant is associated with the following publications: (PMID: 25480913)

Ambry Genetics
Classification: Pathogenic for Cardiovascular phenotype; Hereditary cancer-predisposing syndrome. Last evaluated: 2021-03-11. Review status: criteria provided, single submitter. Criteria: Ambry Variant Classification Scheme 2023. Collection method: clinical testing. Allele origin: germline.
Comment: The c.570delT pathogenic mutation, located in coding exon 6 of the LZTR1 gene, results from a deletion of one nucleotide at nucleotide position 570, causing a translational frameshift with a predicted alternate stop codon (p.F190Lfs*10). In addition to the clinical data presented in the literature, this alteration is expected to result in loss of function by premature protein truncation or nonsense-mediated mRNA decay. Based on the supporting evidence, this variant is pathogenic for an increased risk of nerve sheath tumors and would be expected to cause autosomal recessive Noonan syndrome when present along with a second pathogenic or likely pathogenic variant on the other allele.

Literature cited by the submitters: PubMed 24362817 (cited by Labcorp Genetics (formerly Invitae), Labcorp); PubMed 25335493 (cited by Labcorp Genetics (formerly Invitae), Labcorp); PubMed 25480913 (cited by Labcorp Genetics (formerly Invitae), Labcorp); PubMed 25795793 (cited by Labcorp Genetics (formerly Invitae), Labcorp); PubMed 29469822 (cited by Labcorp Genetics (formerly Invitae), Labcorp); PubMed 30368668 (cited by Labcorp Genetics (formerly Invitae), Labcorp); PubMed 30442762 (cited by Labcorp Genetics (formerly Invitae), Labcorp); PubMed 30442766 (cited by Labcorp Genetics (formerly Invitae), Labcorp); PubMed 30481304 (cited by Labcorp Genetics (formerly Invitae), Labcorp); PubMed 30859559 (cited by Labcorp Genetics (formerly Invitae), Labcorp).